The following is an entry in ClinVar:

NM_006158.5(NEFL):c.1319C>T (p.Pro440Leu)

Gene: NEFL (neurofilament light chain; minus strand). Cytogenetic location: 8p21.2.
Variant type: single nucleotide variant.
Coding change: c.1319C>T on transcript NM_006158.5 (MANE Select); coding-DNA position 1319, C replaced by T.
Protein change: p.Pro440Leu; replaces proline 440 with leucine.
Molecular consequence: missense variant.
Genome position (GRCh38, 1-based): chr8:24,953,646, G>A on the plus strand (C>T on the coding strand, the complement: NEFL is on the minus strand). VCF-style: chr8-24953646-G-A. GRCh37 (hg19) VCF-style: chr8-24811160-G-A.
Other names: short protein forms P440L.
Identifiers: ClinVar variation 155738 (VCV000155738.13), dbSNP rs587777882, ClinGen allele CA233076.

ClinVar aggregate classification (germline): Conflicting classifications of pathogenicity. Review status: criteria provided, conflicting classifications (1 of 4 stars). 6 submissions from 6 submitters: Pathogenic (2); Likely pathogenic (1); Uncertain significance (1). 2 of the submissions do not count toward it. Last evaluated 2026-03-12.

Conditions:
Charcot-Marie-Tooth disease. Also called: Charcot-Marie-Tooth Neuropathy; Charcot-Marie-Tooth Hereditary Neuropathy. Identifiers: Orphanet 166, MedGen C0007959, MONDO:0015626.
Inborn genetic diseases. Identifiers: MedGen C0950123, MeSH D030342.
Charcot-Marie-Tooth disease type 2E (CMT2E). Also called: CHARCOT-MARIE-TOOTH NEUROPATHY, TYPE 2E; CHARCOT-MARIE-TOOTH DISEASE, AXONAL, TYPE 2E. Identifiers: Orphanet 99939, MedGen C1843225, MONDO:0011894, OMIM 607684.

Allele frequency attached by ClinVar (database versions not stated): gnomAD exomes 0.00001.

Submissions (6):

GeneDx
Classification: Likely pathogenic. Last evaluated: 2026-03-12. Review status: criteria provided, single submitter. Criteria: GeneDx Variant Classification Process June 2021. Collection method: clinical testing. Allele origin: germline.
Comment: Not observed at significant frequency in large population cohorts (gnomAD); In silico analysis supports that this missense variant has a deleterious effect on protein structure/function; This variant is associated with the following publications: (PMID: 38871447, 28501821, 31574566, 36809754, 37848414, 35274844, 38456936, 25802885, 21149811, 30373780, 35044100)

Labcorp Genetics (formerly Invitae), Labcorp
Classification: Pathogenic for Charcot-Marie-Tooth disease type 2E. Last evaluated: 2024-10-15. Review status: criteria provided, single submitter. Criteria: Invitae Variant Classification Sherloc (09022015). Collection method: clinical testing. Allele origin: germline.
Comment: This sequence change replaces proline, which is neutral and non-polar, with leucine, which is neutral and non-polar, at codon 440 of the NEFL protein (p.Pro440Leu). This variant is not present in population databases (gnomAD no frequency). This missense change has been observed in individuals with autosomal dominant Charcot-Marie-Tooth (CMT) disease (PMID: 21149811, 25802885, 30373780). It has also been observed to segregate with disease in related individuals. ClinVar contains an entry for this variant (Variation ID: 155738). Invitae Evidence Modeling of protein sequence and biophysical properties (such as structural, functional, and spatial information, amino acid conservation, physicochemical variation, residue mobility, and thermodynamic stability) has been performed for this missense variant. However, the output from this modeling did not meet the statistical confidence thresholds required to predict the impact of this variant on NEFL protein function. For these reasons, this variant has been classified as Pathogenic.

Athena Diagnostics
Classification: Pathogenic. Last evaluated: 2024-09-18. Review status: criteria provided, single submitter. Criteria: Athena Diagnostics Criteria. Collection method: clinical testing. Allele origin: unknown.
Comment: This variant has not been reported in large, multi-ethnic general populations. This variant has been identified in individuals with Charcot-Marie-Tooth disease and segregates with disease in at least one family. Assessment of experimental evidence suggests this variant results in abnormal protein function. (PMID: 37848414)

Ambry Genetics
Classification: Uncertain significance for Inborn genetic diseases. Last evaluated: 2020-12-22. Review status: criteria provided, single submitter. Criteria: Ambry Variant Classification Scheme 2023. Collection method: clinical testing. Allele origin: germline.
Comment: The p.P440L variant (also known as c.1319C>T), located in coding exon 3 of the NEFL gene, results from a C to T substitution at nucleotide position 1319. The proline at codon 440 is replaced by leucine, an amino acid with similar properties. This variant has been reported in the heterozygous state in multiple individuals with phenotypes consistent with Charcot-Marie-Tooth (CMT) disease; however disease segregation in one family is unclear (Bacquet J et al. BMJ Open, 2018 10;8:e021632; Benedetti S et al. Arch Neurol, 2010 Dec;67:1498-505; Drew AP et al. Mol Genet Genomic Med, 2015 Mar;3:143-54; Petrucci A et al. Neurol Sci, 2020 Nov). Functional studies suggest that this variant has a mild effect on neurofilament assembly in vitro (Stone EJ et al. Cytoskeleton (Hoboken), 2019 07;76:423-439). This amino acid position is well conserved in available vertebrate species. In addition, the in silico prediction for this alteration is inconclusive. Since supporting evidence is limited at this time, the clinical significance of this alteration remains unclear.

Inherited Neuropathy Consortium
Classification: Uncertain significance for Charcot-Marie-Tooth disease. Review status: no assertion criteria provided. Collection method: literature only. Allele origin: germline. Affected: yes. Not counted in ClinVar's aggregate classification.

Northcott Neuroscience Laboratory, ANZAC Research Institute
Classification: Likely pathogenic. Review status: no assertion criteria provided. Collection method: not provided. Allele origin: germline. Not counted in ClinVar's aggregate classification.
Comment: Family M
ClinVar note: Converted during submission from probable-pathogenic to Likely pathogenic.

Literature cited by the submitters: PubMed 21149811 (cited by 4 submitters); PubMed 25802885 (cited by 3 submitters); PubMed 30373780 (cited by 3 submitters); PubMed 31574566 (cited by Athena Diagnostics and Ambry Genetics); PubMed 36809754 (cited by Athena Diagnostics); PubMed 37848414 (cited by Athena Diagnostics); PubMed 35274844 (cited by Athena Diagnostics); PubMed 25614874 (cited by Athena Diagnostics); PubMed 33201363 (cited by Ambry Genetics).